The following is an entry in ClinVar:

ClinVar aggregate classification (germline): Uncertain significance. Review status: criteria provided, multiple submitters, no conflicts (2 of 4 stars). 2 submissions from 2 submitters: Uncertain significance (2). Last evaluated 2026-07-14.

Conditions:
KIDINS220-related disorder. Also called: KIDINS220-related condition.

Allele frequency attached by ClinVar (database versions not stated): gnomAD exomes below 0.00001.
gnomAD v4.1: 1 of 1,614,104 alleles (0.000062%); highest among the groups gnomAD compares: Non-Finnish European, 0.000085%; no homozygotes.

Submissions (2):

PreventionGenetics, part of Exact Sciences
Classification: Uncertain significance for KIDINS220-related condition. Last evaluated: 2026-07-14. Review status: criteria provided, single submitter. Criteria: ACMG Guidelines, 2015. Collection method: clinical testing. Allele origin: germline.
Comment: The KIDINS220 c.2069A>G variant is predicted to result in the amino acid substitution p.Asn690Ser. To our knowledge, this variant has not been reported in the literature or in a large population database (gnomAD), indicating this variant is rare. At this time, the clinical significance of this variant is uncertain due to the absence of conclusive functional and genetic evidence.

Labcorp Genetics (formerly Invitae), Labcorp
Classification: Uncertain significance. Last evaluated: 2022-04-20. Review status: criteria provided, single submitter. Criteria: Invitae Variant Classification Sherloc (09022015). Collection method: clinical testing. Allele origin: germline.
Comment: This variant has not been reported in the literature in individuals affected with KIDINS220-related conditions. Algorithms developed to predict the effect of missense changes on protein structure and function are either unavailable or do not agree on the potential impact of this missense change (SIFT: "Tolerated"; PolyPhen-2: "Possibly Damaging"; Align-GVGD: "Class C0"). Algorithms developed to predict the effect of sequence changes on RNA splicing suggest that this variant may create or strengthen a splice site. In summary, the available evidence is currently insufficient to determine the role of this variant in disease. Therefore, it has been classified as a Variant of Uncertain Significance. This variant is not present in population databases (gnomAD no frequency). This sequence change replaces asparagine, which is neutral and polar, with serine, which is neutral and polar, at codon 690 of the KIDINS220 protein (p.Asn690Ser).

NM_020738.4(KIDINS220):c.2069A>G (p.Asn690Ser)

Gene: KIDINS220 (kinase D interacting substrate 220; minus strand). Cytogenetic location: 2p25.1.
Variant type: single nucleotide variant.
Coding change: c.2069A>G on transcript NM_020738.4 (MANE Select); coding-DNA position 2069, A replaced by G.
Protein change: p.Asn690Ser; replaces asparagine 690 with serine.
Molecular consequence: missense variant. On other transcripts: non-coding transcript variant (2).
Genome position (GRCh38, 1-based): chr2:8,785,901, T>C on the plus strand (A>G on the coding strand, the complement: KIDINS220 is on the minus strand). VCF-style: chr2-8785901-T-C. GRCh37 (hg19) VCF-style: chr2-8926031-T-C.
Other names: c.2069A>G, p.Asn690Ser (NM_001348741.2, NM_001348742.2, NM_001348743.2 and 3 more transcripts); c.2072A>G, p.Asn691Ser (NM_001348745.2, NM_001348729.2, NM_001348731.2 and 3 more transcripts); c.1943A>G, p.Asn648Ser (NM_001348736.2); c.2069A>G (NM_020738.2); short protein forms N691S, N690S, N648S.
Identifiers: ClinVar variation 2120080 (VCV002120080.5), dbSNP rs2527992893, ClinGen allele CA345763915.
Genomic context (GRCh38, chr2:8,785,901, plus strand): 5'-GTACGACAGTTCAACACAAAGGCCAATCCCACTACAGATGCGATTGATATGAGGACAGCA[T>C]TTACAGTCAGATGCTTTGGGTCAACTCTAAATATAGCCAGAAGAGTAATTCCAGATATAA-3'
Protein context (NP_065789.1, residues 680-700): FRVDPKHLTV[Asn690Ser]AVLISIASVV